The following is an entry in ClinVar:

NM_133259.4(LRPPRC):c.3311delinsTCG (p.Asp1104fs)

Gene: LRPPRC (leucine rich pentatricopeptide repeat containing; minus strand). Cytogenetic location: 2p21.
Variant type: Indel.
Coding change: c.3311delinsTCG on transcript NM_133259.4 (MANE Select); coding-DNA position 3311, A replaced by TCG.
Protein change: p.Asp1104fs; shifts the reading frame from aspartic acid 1104.
Molecular consequence: frameshift variant.
Genome position (GRCh38, 1-based): chr2:43,905,745, T replaced by CGA on the plus strand (A replaced by TCG on the coding strand, the reverse complement: LRPPRC is on the minus strand). VCF-style: chr2-43905745-T-CGA. GRCh37 (hg19) VCF-style: chr2-44132884-T-CGA.
Other names: short protein forms D1104fs.
Identifiers: ClinVar variation 5012337 (VCV005012337.1).

ClinVar aggregate classification (germline): Pathogenic (1 of 4 stars; one submission).

Conditions:
Congenital lactic acidosis, Saguenay-Lac-Saint-Jean type (MC4DN5). Also called: CYTOCHROME c OXIDASE DEFICIENCY, FRENCH CANADIAN TYPE; COX DEFICIENCY, FRENCH CANADIAN TYPE; MITOCHONDRIAL COMPLEX IV DEFICIENCY, NUCLEAR TYPE 5. Identifiers: Orphanet 70472, MedGen C1857355, MONDO:0009069, OMIM 220111.

Submission:

Myriad Genetics, Inc.
Classification: Pathogenic for Congenital lactic acidosis, Saguenay-Lac-Saint-Jean type. Last evaluated: 2023-09-30. Review status: criteria provided, single submitter. Criteria: Myriad Autosomal Dominant, Autosomal Recessive and X-Linked Classification Criteria (2023). Collection method: clinical testing. Allele origin: unknown.
Comment: NM_133259.3(LRPPRC):c.3311delAinsTCG(D1104Vfs*10) is expected to be pathogenic in the context of Leigh syndrome, French-Canadian type. This variant is predicted to lead to an abnormal or absent protein product due to the creation of a premature termination codon in LRPPRC, a gene where loss-of-function variants are known to be pathogenic. Please note: this variant was assessed in the context of healthy population screening.